The following is an entry in ClinVar:

ClinVar aggregate classification (germline): Uncertain significance. Review status: criteria provided, multiple submitters, no conflicts (2 of 4 stars). 2 submissions from 2 submitters: Uncertain significance (2). Last evaluated 2025-08-10.

Conditions:
Cardiomyopathy (CMYO). Also called: Cardiomyopathies. Identifiers: Orphanet 167848, MedGen C0878544, MONDO:0004994, HP:0001638. Inheritance: Various modes of inheritance.

Allele frequency attached by ClinVar (database versions not stated): TOPMed below 0.00001; gnomAD exomes below 0.00001.
gnomAD v4.1: 1 of 1,612,682 alleles (0.000062%); highest among the groups gnomAD compares: Non-Finnish European, 0.000085%; no homozygotes.

Submissions (2):

Color Diagnostics, LLC DBA Color Health
Classification: Uncertain significance for Cardiomyopathy. Last evaluated: 2025-08-10. Review status: criteria provided, single submitter. Criteria: ACMG Guidelines, 2015. Collection method: clinical testing. Allele origin: germline.
Comment: This missense variant replaces alanine with valine at codon 1099 of the MYH7 protein. Computational prediction suggests that this variant may not impact protein structure and function. To our knowledge, functional studies have not been reported for this variant. This variant has not been reported in individuals affected with MYH7-related disorders in the literature. This variant has not been identified in the general population by the Genome Aggregation Database (gnomAD). The available evidence is insufficient to determine the role of this variant in disease conclusively. Therefore, this variant is classified as a Variant of Uncertain Significance.

GeneDx
Classification: Uncertain significance. Last evaluated: 2022-08-18. Review status: criteria provided, single submitter. Criteria: GeneDx Variant Classification Process June 2021. Collection method: clinical testing. Allele origin: germline. Affected: yes.
Comment: Not observed at significant frequency in large population cohorts (gnomAD); In silico analysis supports that this missense variant does not alter protein structure/function; Has not been previously published as pathogenic or benign to our knowledge

NM_000257.4(MYH7):c.3296C>T (p.Ala1099Val)

Gene: MYH7 (myosin heavy chain 7; minus strand). Cytogenetic location: 14q11.2.
Variant type: single nucleotide variant.
Coding change: c.3296C>T on transcript NM_000257.4 (MANE Select); coding-DNA position 3296, C replaced by T.
Protein change: p.Ala1099Val; replaces alanine 1099 with valine.
Molecular consequence: missense variant.
Genome position (GRCh38, 1-based): chr14:23,420,998, G>A on the plus strand (C>T on the coding strand, the complement: MYH7 is on the minus strand). VCF-style: chr14-23420998-G-A. GRCh37 (hg19) VCF-style: chr14-23890207-G-A.
Other names: c.3296C>T, p.Ala1099Val (NM_001407004.1); short protein forms A1099V.
Identifiers: ClinVar variation 2430504 (VCV002430504.2), dbSNP rs1892451162, ClinGen allele CA389044421.